The following is an entry in ClinVar:

NM_025137.4(SPG11):c.6038C>T (p.Ala2013Val)

Gene: SPG11 (SPG11 vesicle trafficking associated, spatacsin; minus strand). Cytogenetic location: 15q21.1.
Variant type: single nucleotide variant.
Coding change: c.6038C>T on transcript NM_025137.4 (MANE Select); coding-DNA position 6038, C replaced by T.
Protein change: p.Ala2013Val; replaces alanine 2013 with valine.
Molecular consequence: missense variant. On other transcripts: intron variant (1).
Genome position (GRCh38, 1-based): chr15:44,573,714, G>A on the plus strand (C>T on the coding strand, the complement: SPG11 is on the minus strand). VCF-style: chr15-44573714-G-A. GRCh37 (hg19) VCF-style: chr15-44865912-G-A.
Other names: c.5867-894C>T (NM_001160227.2); short protein forms A2013V.
Identifiers: ClinVar variation 570483 (VCV000570483.8), dbSNP rs745997529, ClinGen allele CA7534274.

ClinVar aggregate classification (germline): Uncertain significance (1 of 4 stars; one submission).

Conditions:
Hereditary spastic paraplegia 11. Also called: Spastic paraplegia, mental retardation and thin corpus callosum; SPASTIC PARAPLEGIA, AUTOSOMAL RECESSIVE, COMPLICATED, WITH THIN CORPUS CALLOSUM; SPASTIC PARAPLEGIA, AUTOSOMAL RECESSIVE, WITH MENTAL IMPAIRMENT AND THIN CORPUS CALLOSUM; Nakamura Osame syndrome; Autosomal recessive hereditary spastic paraplegia, mental impairment, and thin corpus callosum; Spastic Paraplegia 11. Identifiers: Orphanet 2822, MedGen C1858479, MONDO:0011445, OMIM 604360.

Allele frequency attached by ClinVar (database versions not stated): gnomAD exomes below 0.00001; ExAC 0.00001.
gnomAD v4.1: 2 of 1,614,242 alleles (0.00012%); highest among the groups gnomAD compares: East Asian, 0.0022%; no homozygotes.

Submission:

Labcorp Genetics (formerly Invitae), Labcorp
Classification: Uncertain significance for Hereditary spastic paraplegia 11. Last evaluated: 2022-06-04. Review status: criteria provided, single submitter. Criteria: Invitae Variant Classification Sherloc (09022015). Collection method: clinical testing. Allele origin: germline.
Comment: Algorithms developed to predict the effect of missense changes on protein structure and function are either unavailable or do not agree on the potential impact of this missense change (SIFT: "Deleterious"; PolyPhen-2: "Benign"; Align-GVGD: "Class C0"). ClinVar contains an entry for this variant (Variation ID: 570483). This variant has not been reported in the literature in individuals affected with SPG11-related conditions. This variant is present in population databases (rs745997529, gnomAD 0.003%). This sequence change replaces alanine, which is neutral and non-polar, with valine, which is neutral and non-polar, at codon 2013 of the SPG11 protein (p.Ala2013Val). In summary, the available evidence is currently insufficient to determine the role of this variant in disease. Therefore, it has been classified as a Variant of Uncertain Significance.